The following is an entry in ClinVar:

NM_000179.3(MSH6):c.2180C>T (p.Thr727Ile)

Gene: MSH6 (mutS homolog 6; plus strand). Cytogenetic location: 2p16.3.
Variant type: single nucleotide variant.
Coding change: c.2180C>T on transcript NM_000179.3 (MANE Select); coding-DNA position 2180, C replaced by T.
Protein change: p.Thr727Ile; replaces threonine 727 with isoleucine.
Molecular consequence: missense variant.
Genome position (GRCh38, 1-based): chr2:47,800,163, C>T. VCF-style: chr2-47800163-C-T. GRCh37 (hg19) VCF-style: chr2-48027302-C-T.
Other names: c.2180C>T (NM_000179.2); c.1790C>T, p.Thr597Ile (NM_001281492.2); c.1274C>T, p.Thr425Ile (NM_001281493.2, NM_001281494.2); short protein forms T727I, T425I, T597I.
Identifiers: ClinVar variation 584618 (VCV000584618.11), dbSNP rs767861096, ClinGen allele CA346751210.

ClinVar aggregate classification (germline): Uncertain significance. Review status: criteria provided, multiple submitters, no conflicts (2 of 4 stars). 4 submissions from 4 submitters: Uncertain significance (4). Last evaluated 2024-08-13.

Conditions:
Hereditary cancer-predisposing syndrome. Also called: Neoplastic Syndromes, Hereditary; Hereditary Cancer Syndrome; Tumor predisposition; Hereditary neoplastic syndrome. Identifiers: Orphanet 140162, MedGen C0027672, MeSH D009386, MONDO:0015356.
Lynch syndrome. Identifiers: Orphanet 144, MedGen C4552100, MONDO:0005835. Disease mechanism: loss of function.
Hereditary nonpolyposis colorectal neoplasms. Identifiers: MedGen C0009405, MeSH D003123.

Allele frequency attached by ClinVar (database versions not stated): TOPMed 0.00002.

Submissions (4):

All of Us Research Program, National Institutes of Health
Classification: Uncertain significance for Lynch syndrome. Last evaluated: 2024-08-13. Review status: criteria provided, single submitter. Criteria: ACMG Guidelines, 2015. Collection method: clinical testing. Allele origin: germline. Inheritance: Autosomal dominant inheritance. Observed: 1 variant allele, 1 heterozygote.
Comment: This missense variant replaces threonine with isoleucine at codon 727 of the MSH6 protein. Computational prediction suggests that this variant may not impact protein structure and function (internally defined REVEL score threshold <= 0.5, PMID: 27666373). To our knowledge, functional studies have not been reported for this variant. This variant has not been reported in individuals affected with MSH6-related disorders in the literature. This variant has not been identified in the general population by the Genome Aggregation Database (gnomAD). The available evidence is insufficient to determine the role of this variant in disease conclusively. Therefore, this variant is classified as a Variant of Uncertain Significance.

This study involves interpretation of variants in research participants for the purpose of population health screening. Participant phenotype was not available at the time of variant classification. Additional details can be found in publication PMID: 35346344, PMCID: PMC8962531

Labcorp Genetics (formerly Invitae), Labcorp
Classification: Uncertain significance for Hereditary nonpolyposis colorectal neoplasms. Last evaluated: 2024-05-08. Review status: criteria provided, single submitter. Criteria: Invitae Variant Classification Sherloc (09022015). Collection method: clinical testing. Allele origin: germline.
Comment: This sequence change replaces threonine, which is neutral and polar, with isoleucine, which is neutral and non-polar, at codon 727 of the MSH6 protein (p.Thr727Ile). This variant is not present in population databases (gnomAD no frequency). This missense change has been observed in individual(s) with breast cancer (PMID: 35264596). ClinVar contains an entry for this variant (Variation ID: 584618). Advanced modeling of protein sequence and biophysical properties (such as structural, functional, and spatial information, amino acid conservation, physicochemical variation, residue mobility, and thermodynamic stability) performed at Invitae indicates that this missense variant is not expected to disrupt MSH6 protein function with a negative predictive value of 95%. In summary, the available evidence is currently insufficient to determine the role of this variant in disease. Therefore, it has been classified as a Variant of Uncertain Significance.

Ambry Genetics
Classification: Uncertain significance for Hereditary cancer-predisposing syndrome. Last evaluated: 2022-12-27. Review status: criteria provided, single submitter. Criteria: Ambry Variant Classification Scheme 2023. Collection method: clinical testing. Allele origin: germline.
Comment: The p.T727I variant (also known as c.2180C>T), located in coding exon 4 of the MSH6 gene, results from a C to T substitution at nucleotide position 2180. The threonine at codon 727 is replaced by isoleucine, an amino acid with similar properties. This variant has been identified as somatic in a proband with colorectal cancer (Berginc G et al. Fam Cancer, 2009 Jun;8:421-9). This amino acid position is not well conserved in available vertebrate species. In addition, this alteration is predicted to be tolerated by in silico analysis. Since supporting evidence is limited at this time, the clinical significance of this alteration remains unclear.

Mendelics
Classification: Uncertain significance for Lynch syndrome. Last evaluated: 2018-07-02. Review status: criteria provided, single submitter. Criteria: Mendelics Assertion Criteria 2017. Collection method: clinical testing. Allele origin: unknown.

Literature cited by the submitters: PubMed 35264596 (cited by Labcorp Genetics (formerly Invitae), Labcorp); PubMed 19526325 (cited by Ambry Genetics).